The following is an entry in ClinVar:

ClinVar aggregate classification (germline): Uncertain significance (1 of 4 stars; one submission).

Conditions:
Cutis laxa, autosomal recessive, type 2E. Also called: CUTIS LAXA, AUTOSOMAL RECESSIVE, TYPE IIE. Identifiers: MedGen C5561944, MONDO:0030337, OMIM 619451.

Submission:

Laboratorio de Genetica e Diagnostico Molecular, Hospital Israelita Albert Einstein
Classification: Uncertain significance for Cutis laxa, autosomal recessive, type 2E. Last evaluated: 2025-03-19. Review status: criteria provided, single submitter. Criteria: ACMG Guidelines, 2015. Collection method: clinical testing. Allele origin: germline. Affected: yes.
Comment: ACMG classification criteria: PVS1 strong, PM2 supporting

NM_206943.4(LTBP1):c.22del (p.Trp8fs)

Genes: LTBP1 (latent transforming growth factor beta binding protein 1; plus strand), LOC129933461 (ATAC-STARR-seq lymphoblastoid silent region 11345; plus strand). Cytogenetic location: 2p22.3.
Variant type: Deletion.
Coding change: c.22del on transcript NM_206943.4 (MANE Select); coding-DNA position 22, one base deleted (T; older notation c.22delT).
Protein change: p.Trp8fs; shifts the reading frame from tryptophan 8.
Molecular consequence: frameshift variant.
Genome position (GRCh38, 1-based): chr2:32,947,346, T deleted. VCF-style (leftmost placement, unchanged base first): chr2-32947345-GT-G. GRCh37 (hg19) VCF-style: chr2-33172412-GT-G.
Other names: c.22del, p.Trp8fs (NM_001394905.1); short protein forms W8fs.
Identifiers: ClinVar variation 4056587 (VCV004056587.1).
Genomic context (GRCh38, chr2:32,947,345, plus strand): 5'-CCGGACCGCGCGCGACCGGTCGCGCCCGCTGGGGCCCGCGATGGCGGGGGCCTGGCTCAG[GT>G]GGGGGCTCCTGCTCTGGGCAGGGCTCCTCGCGTCCTCGGCGCACGGCCGGCTGCGGAGGA-3'